The following is an entry in ClinVar:

NM_006648.4(WNK2):c.4025C>G (p.Ala1342Gly)

Gene: WNK2 (WNK lysine deficient protein kinase 2; plus strand). Cytogenetic location: 9q22.31.
Variant type: single nucleotide variant.
Coding change: c.4025C>G on transcript NM_006648.4 (MANE Select); coding-DNA position 4025, C replaced by G.
Protein change: p.Ala1342Gly; replaces alanine 1342 with glycine.
Molecular consequence: missense variant.
Genome position (GRCh38, 1-based): chr9:93,268,738, C>G. VCF-style: chr9-93268738-C-G. GRCh37 (hg19) VCF-style: chr9-96031020-C-G.
Other names: c.4025C>G, p.Ala1342Gly (NM_001282394.3); short protein forms A1342G.
Identifiers: ClinVar variation 4605219 (VCV004605219.1).

ClinVar aggregate classification (germline): Uncertain significance (1 of 4 stars; one submission).

gnomAD v4.1: 4 of 1,612,526 alleles (0.00025%); highest among the groups gnomAD compares: Non-Finnish European, 0.00034%; no homozygotes.

Submission:

Ambry Genetics
Classification: Uncertain significance. Last evaluated: 2025-10-03. Review status: criteria provided, single submitter. Criteria: Ambry Variant Classification Scheme 2023. Collection method: clinical testing. Allele origin: germline.
Comment: The p.A1342G variant (also known as c.4025C>G), located in coding exon 18 of the WNK2 gene, results from a C to G substitution at nucleotide position 4025. The alanine at codon 1342 is replaced by glycine, an amino acid with similar properties. This amino acid position is conserved. In addition, this alteration is predicted to be tolerated by in silico analysis. Based on the available evidence, the clinical significance of this variant remains unclear.